The following is an entry in ClinVar:

NM_001113378.2(FANCI):c.295del (p.His99fs)

Gene: FANCI (FA complementation group I; plus strand). Cytogenetic location: 15q26.1.
Variant type: Deletion.
Coding change: c.295del on transcript NM_001113378.2 (MANE Select); coding-DNA position 295, one base deleted (C; older notation c.295delC).
Protein change: p.His99fs; shifts the reading frame from histidine 99.
Molecular consequence: frameshift variant.
Genome position (GRCh38, 1-based): chr15:89,261,591, C deleted; the last of 2 consecutive C bases (chr15:89,261,590-89,261,591); deleting either gives the same sequence. VCF-style (leftmost placement, unchanged base first): chr15-89261589-AC-A. GRCh37 (hg19) VCF-style: chr15-89804820-AC-A.
Other names: c.16del, p.His6fs (NM_001376910.1); c.295del, p.His99fs (NM_001376911.1, NM_018193.3); c.295del (NM_001113378.1); c.295delC (NM_001113378.1); short protein forms H6fs, H99fs.
Identifiers: ClinVar variation 1224538 (VCV001224538.4), dbSNP rs759398314, ClinGen allele CA7722579.
Genomic context (GRCh38, chr15:89,261,589, plus strand): 5'-GATTTATCAAACATTGGATTTCTGCTTGAGATTTCCTTTATCCTGTGAACTTTTAGGCTC[AC>A]CATTTTCCAGGACCATTATTGGTTGAATTAGCCAATGAGTTTATTAGTGCTGTCAGAGAA-3'

ClinVar aggregate classification (germline): Pathogenic/Likely pathogenic. Review status: criteria provided, multiple submitters, no conflicts (2 of 4 stars). 3 submissions from 3 submitters: Pathogenic (2); Likely pathogenic (1). Last evaluated 2023-09-05.

Conditions:
Fanconi anemia complementation group I (FANCI). Also called: FANCI-Related Fanconi Anemia. Identifiers: Orphanet 84, MedGen C1836861, MONDO:0012186, OMIM 609053.
Fanconi anemia (FA). Also called: Fanconi's anemia. Identifiers: Orphanet 84, MedGen C0015625, MeSH D005199, MONDO:0019391.

Submissions (3):

Revvity Omics, Revvity
Classification: Pathogenic for Fanconi anemia complementation group I. Last evaluated: 2023-09-05. Review status: criteria provided, single submitter. Criteria: ACMG Guidelines, 2015. Collection method: clinical testing. Allele origin: germline.

Women's Health and Genetics/Laboratory Corporation of America, LabCorp
Classification: Likely pathogenic for Fanconi anemia. Last evaluated: 2022-09-20. Review status: criteria provided, single submitter. Criteria: LabCorp Variant Classification Summary - May 2015. Collection method: clinical testing. Allele origin: germline.
Comment: Variant summary: FANCI c.295delC (p.His99IlefsX10) results in a premature termination codon, predicted to cause a truncation of the encoded protein or absence of the protein due to nonsense mediated decay, which are commonly known mechanisms for disease. The variant allele was found at a frequency of 8e-06 in 251332 control chromosomes. c.295delC has been reported in the literature in individuals affected with Fanconi Anemia (George_2021).This report suggests association of the variant with Fanconi Anemia. To our knowledge, no experimental evidence demonstrating an impact on protein function has been reported. One clinical diagnostic laboratory has submitted clinical-significance assessment for this variant to ClinVar after 2014 and classified as pathogenic. Based on the evidence outlined above, the variant was classified as likely pathogenic.

Dept. of Cytogenetics, ICMR- National Institute of Immunohaematology
Classification: Pathogenic for Fanconi anemia. Review status: criteria provided, single submitter. Criteria: ACMG Guidelines, 2015. Collection method: clinical testing. Allele origin: germline. Affected: yes. Observed: 1 variant allele.

Literature cited by the submitters: PubMed 34585473 (cited by Women's Health and Genetics/Laboratory Corporation of America, LabCorp).